The following is an entry in ClinVar:

ClinVar aggregate classification (germline): Uncertain significance (1 of 4 stars; one submission).

Submission:

Labcorp Genetics (formerly Invitae), Labcorp
Classification: Uncertain significance. Last evaluated: 2022-07-22. Review status: criteria provided, single submitter. Criteria: Invitae Variant Classification Sherloc (09022015). Collection method: clinical testing. Allele origin: germline.
Comment: This sequence change replaces threonine, which is neutral and polar, with alanine, which is neutral and non-polar, at codon 1048 of the ARHGAP31 protein (p.Thr1048Ala). Information on the frequency of this variant in the gnomAD database is not available, as this variant may be reported differently in the database. This variant has not been reported in the literature in individuals affected with ARHGAP31-related conditions. Experimental studies and prediction algorithms are not available or were not evaluated, and the functional significance of this variant is currently unknown. In summary, the available evidence is currently insufficient to determine the role of this variant in disease. Therefore, it has been classified as a Variant of Uncertain Significance.

NM_020754.4(ARHGAP31):c.3141_3142delinsAG (p.Thr1048Ala)

Gene: ARHGAP31 (Rho GTPase activating protein 31; plus strand). Cytogenetic location: 3q13.33.
Variant type: Indel.
Coding change: c.3141_3142delinsAG on transcript NM_020754.4 (MANE Select); coding-DNA positions 3141 to 3142, GA replaced by AG.
Protein change: p.Thr1048Ala; replaces threonine 1048 with alanine.
Molecular consequence: missense variant.
Genome position (GRCh38, 1-based): chr3:119,415,070-119,415,071, GA replaced by AG. VCF-style: chr3-119415070-GA-AG. GRCh37 (hg19) VCF-style: chr3-119133917-GA-AG.
Other names: short protein forms T1048A.
Identifiers: ClinVar variation 2090090 (VCV002090090.4), dbSNP rs2472877438, ClinGen allele CA2580068593.